The following is an entry in ClinVar:

ClinVar aggregate classification (germline): Uncertain significance (1 of 4 stars; one submission).

Allele frequency attached by ClinVar (database versions not stated): ExAC 0.00001.
gnomAD v4.1: 8 of 1,607,426 alleles (0.0005%); highest among the groups gnomAD compares: South Asian, 0.0088%; no homozygotes.

Submission:

GeneDx
Classification: Uncertain significance. Last evaluated: 2023-06-15. Review status: criteria provided, single submitter. Criteria: GeneDx Variant Classification Process June 2021. Collection method: clinical testing. Allele origin: germline. Affected: yes.
Comment: In silico analysis supports that this missense variant has a deleterious effect on protein structure/function; Has not been previously published as pathogenic or benign to our knowledge

NM_001127222.2(CACNA1A):c.2374G>A (p.Ala792Thr)

Gene: CACNA1A (calcium voltage-gated channel subunit alpha1 A; minus strand). Cytogenetic location: 19p13.13.
Variant type: single nucleotide variant.
Coding change: c.2374G>A on transcript NM_001127222.2 (MANE Select); coding-DNA position 2374, G replaced by A.
Protein change: p.Ala792Thr; replaces alanine 792 with threonine.
Molecular consequence: missense variant.
Genome position (GRCh38, 1-based): chr19:13,299,259, C>T on the plus strand (G>A on the coding strand, the complement: CACNA1A is on the minus strand). VCF-style: chr19-13299259-C-T. GRCh37 (hg19) VCF-style: chr19-13410073-C-T.
Other names: c.2386G>A, p.Ala796Thr (NM_000068.4, NM_023035.3); c.2377G>A, p.Ala793Thr (NM_001127221.2, NM_001174080.2); short protein forms A792T, A793T, A796T.
Identifiers: ClinVar variation 3252260 (VCV003252260.1), dbSNP rs753248182.